The following is an entry in ClinVar:

ClinVar aggregate classification (germline): Uncertain significance (1 of 4 stars; one submission).

Submission:

GeneDx
Classification: Uncertain significance. Last evaluated: 2022-01-06. Review status: criteria provided, single submitter. Criteria: GeneDx Variant Classification Process June 2021. Collection method: clinical testing. Allele origin: germline. Affected: yes.
Comment: Not observed at significant frequency in large population cohorts (gnomAD); In silico analysis supports that this missense variant does not alter protein structure/function; Has not been previously published as pathogenic or benign to our knowledge

NM_021008.4(DEAF1):c.499G>A (p.Ala167Thr)

Gene: DEAF1 (DEAF1 transcription factor; minus strand). Cytogenetic location: 11p15.5.
Variant type: single nucleotide variant.
Coding change: c.499G>A on transcript NM_021008.4 (MANE Select); coding-DNA position 499, G replaced by A.
Protein change: p.Ala167Thr; replaces alanine 167 with threonine.
Molecular consequence: missense variant. On other transcripts: 5 prime UTR variant (1).
Genome position (GRCh38, 1-based): chr11:688,349, C>T on the plus strand (G>A on the coding strand, the complement: DEAF1 is on the minus strand). VCF-style: chr11-688349-C-T. GRCh37 (hg19) VCF-style: chr11-688349-C-T.
Other names: c.499G>A, p.Ala167Thr (NM_001293634.2); c.-228G>A (NM_001367390.1); short protein forms A167T.
Identifiers: ClinVar variation 1695621 (VCV001695621.2), dbSNP rs1860685997, ClinGen allele CA378934925.